The following is an entry in ClinVar:

NM_001205293.3(CACNA1E):c.5239G>A (p.Val1747Ile)

Gene: CACNA1E (calcium voltage-gated channel subunit alpha1 E; plus strand). Cytogenetic location: 1q25.3.
Variant type: single nucleotide variant.
Coding change: c.5239G>A on transcript NM_001205293.3 (MANE Select); coding-DNA position 5239, G replaced by A.
Protein change: p.Val1747Ile; replaces valine 1747 with isoleucine.
Molecular consequence: missense variant.
Genome position (GRCh38, 1-based): chr1:181,776,200, G>A. VCF-style: chr1-181776200-G-A. GRCh37 (hg19) VCF-style: chr1-181745336-G-A.
Other names: p.Val1747Ile; c.5239G>A, p.Val1747Ile (NM_000721.4); c.5182G>A, p.Val1728Ile (NM_001205294.2); short protein forms V1728I, V1747I.
Identifiers: ClinVar variation 1110168 (VCV001110168.13), dbSNP rs368636412, ClinGen allele CA1276046.

ClinVar aggregate classification (germline): Benign/Likely benign. Review status: criteria provided, multiple submitters, no conflicts (2 of 4 stars). 6 submissions from 6 submitters: Benign (1); Likely benign (5). Last evaluated 2026-01-24.

Conditions:
CACNA1E-related disorder. Also called: CACNA1E-related condition.
Developmental and epileptic encephalopathy, 69. Also called: EPILEPTIC ENCEPHALOPATHY, EARLY INFANTILE, 69. Identifiers: MedGen C4748988, MONDO:0032657, OMIM 618285.

Allele frequency attached by ClinVar (database versions not stated): ESP Exome Variant Server 0.00008; 1000 Genomes Project 0.00020; gnomAD exomes 0.00023; gnomAD 0.00025 and 0.00024; 1000 Genomes Project 30x 0.00031; ExAC 0.00025.
gnomAD v4.1: 162 of 1,614,028 alleles (0.01%); highest among the groups gnomAD compares: East Asian, 0.11%; 1 homozygote.

Submissions (6):

Labcorp Genetics (formerly Invitae), Labcorp
Classification: Likely benign. Last evaluated: 2026-01-24. Review status: criteria provided, single submitter. Criteria: Invitae Variant Classification Sherloc (09022015). Collection method: clinical testing. Allele origin: germline.

PreventionGenetics, part of Exact Sciences
Classification: Likely benign for CACNA1E-related condition. Last evaluated: 2025-10-30. Review status: criteria provided, single submitter. Criteria: ACMG Guidelines, 2015. Collection method: clinical testing. Allele origin: germline.
Comment: This variant is classified as likely benign based on ACMG/AMP sequence variant interpretation guidelines (Richards et al. 2015 PMID: 25741868, with internal and published modifications).

Mayo Clinic Laboratories, Mayo Clinic
Classification: Likely benign. Last evaluated: 2025-06-03. Review status: criteria provided, single submitter. Criteria: ACMG Guidelines, 2015. Collection method: clinical testing. Allele origin: germline. Observed: 1 variant allele.
Comment: BS1, BP4

Blueprint Genetics
Classification: Likely benign. Last evaluated: 2024-11-05. Review status: criteria provided, single submitter. Criteria: ACMG Guidelines, 2015. Collection method: clinical testing. Allele origin: germline.

Genome-Nilou Lab
Classification: Likely benign for Developmental and epileptic encephalopathy, 69. Last evaluated: 2023-04-11. Review status: criteria provided, single submitter. Criteria: ACMG Guidelines, 2015. Collection method: clinical testing. Allele origin: germline. Affected: no.

GeneDx
Classification: Benign. Last evaluated: 2021-04-26. Review status: criteria provided, single submitter. Criteria: GeneDx Variant Classification Process June 2021. Collection method: clinical testing. Allele origin: germline. Affected: yes.